The following is an entry in ClinVar:

NM_201384.3(PLEC):c.12481G>A (p.Gly4161Ser)

Gene: PLEC (plectin; minus strand). Cytogenetic location: 8q24.3.
Variant type: single nucleotide variant.
Coding change: c.12481G>A on transcript NM_201384.3 (MANE Select); coding-DNA position 12481, G replaced by A.
Protein change: p.Gly4161Ser; replaces glycine 4161 with serine.
Molecular consequence: missense variant.
Genome position (GRCh38, 1-based): chr8:143,917,340, C>T on the plus strand (G>A on the coding strand, the complement: PLEC is on the minus strand). VCF-style: chr8-143917340-C-T. GRCh37 (hg19) VCF-style: chr8-144991508-C-T.
Other names: c.12439G>A, p.Gly4147Ser (NM_201378.4); c.12415G>A, p.Gly4139Ser (NM_201379.3); c.12892G>A, p.Gly4298Ser (NM_201380.4); c.12385G>A, p.Gly4129Ser (NM_201381.3); c.12481G>A, p.Gly4161Ser (NM_201382.4); c.12493G>A, p.Gly4165Ser (NM_201383.3); c.12562G>A, p.Gly4188Ser (NM_000445.5); short protein forms G4129S, G4139S, G4147S, G4161S, G4165S, G4188S, G4298S.
Identifiers: ClinVar variation 1021426 (VCV001021426.11), dbSNP rs781961605, ClinGen allele CA4924074.

ClinVar aggregate classification (germline): Uncertain significance (1 of 4 stars; one submission).

Conditions:
Epidermolysis bullosa simplex with nail dystrophy (EBS5D). Identifiers: MedGen C4225309, MONDO:0014661, OMIM 616487.
Epidermolysis bullosa simplex 5B, with muscular dystrophy (EBS5B). Also called: EPIDERMOLYSIS BULLOSA SIMPLEX AND LIMB-GIRDLE MUSCULAR DYSTROPHY; Epidermolysis bullosa simplex with muscular dystrophy. Identifiers: Orphanet 257, MedGen C2931072, MONDO:0009181, OMIM 226670.
Epidermolysis bullosa simplex, Ogna type (EBS5A). Also called: Pidermolysis bullosa simplex 5A, Ogna type; EPIDERMOLYSIS BULLOSA SIMPLEX 5A, OGNA TYPE. Identifiers: Orphanet 79401, MedGen C0432317, MONDO:0007555, OMIM 131950.
Epidermolysis bullosa simplex 5C, with pyloric atresia (EBS5C). Also called: PLEC-Related Epidermolysis Bullosa with Pyloric Atresia; Epidermolysis bullosa simplex with pyloric atresia; PLEC1-Related Epidermolysis Bullosa with Pyloric Atresia. Identifiers: Orphanet 158684, MedGen C2677349, MONDO:0012807, OMIM 612138.
Autosomal recessive limb-girdle muscular dystrophy type 2Q (LGMDR17). Also called: MUSCULAR DYSTROPHY, LIMB-GIRDLE, AUTOSOMAL RECESSIVE 17. Identifiers: Orphanet 254361, MedGen C3150989, MONDO:0013390, OMIM 613723.

Allele frequency attached by ClinVar (database versions not stated): gnomAD exomes below 0.00001 and 0.00001; ExAC 0.00001; TOPMed 0.00001.
gnomAD v4.1: 4 of 1,610,154 alleles (0.00025%); highest among the groups gnomAD compares: Admixed American, 0.005%; no homozygotes.

Submission:

Labcorp Genetics (formerly Invitae), Labcorp
Classification: Uncertain significance for Autosomal recessive limb-girdle muscular dystrophy type 2Q; Epidermolysis bullosa simplex, Ogna type; Epidermolysis bullosa simplex with nail dystrophy; Epidermolysis bullosa simplex 5C, with pyloric atresia; Epidermolysis bullosa simplex 5B, with muscular dystrophy. Last evaluated: 2025-06-03. Review status: criteria provided, single submitter. Criteria: Invitae Variant Classification Sherloc (09022015). Collection method: clinical testing. Allele origin: germline.
Comment: This sequence change replaces glycine, which is neutral and non-polar, with serine, which is neutral and polar, at codon 4188 of the PLEC protein (p.Gly4188Ser). This variant is present in population databases (rs781961605, gnomAD 0.009%). This variant has not been reported in the literature in individuals affected with PLEC-related conditions. ClinVar contains an entry for this variant (Variation ID: 1021426). Invitae Evidence Modeling of protein sequence and biophysical properties (such as structural, functional, and spatial information, amino acid conservation, physicochemical variation, residue mobility, and thermodynamic stability) has been performed for this missense variant. However, the output from this modeling did not meet the statistical confidence thresholds required to predict the impact of this variant on PLEC protein function. In summary, the available evidence is currently insufficient to determine the role of this variant in disease. Therefore, it has been classified as a Variant of Uncertain Significance.